The following is an entry in ClinVar:

NM_002485.5(NBN):c.1496C>T (p.Ser499Leu)

Gene: NBN (nibrin; minus strand). Cytogenetic location: 8q21.3.
Variant type: single nucleotide variant.
Coding change: c.1496C>T on transcript NM_002485.5 (MANE Select); coding-DNA position 1496, C replaced by T.
Protein change: p.Ser499Leu; replaces serine 499 with leucine.
Molecular consequence: missense variant.
Genome position (GRCh38, 1-based): chr8:89,953,593, G>A on the plus strand (C>T on the coding strand, the complement: NBN is on the minus strand). VCF-style: chr8-89953593-G-A. GRCh37 (hg19) VCF-style: chr8-90965821-G-A.
Other names: c.1250C>T, p.Ser417Leu (NM_001024688.3); short protein forms S499L, S417L.
Identifiers: ClinVar variation 232562 (VCV000232562.17), dbSNP rs772411713, ClinGen allele CA4802711.

ClinVar aggregate classification (germline): Uncertain significance. Review status: criteria provided, multiple submitters, no conflicts (2 of 4 stars). 3 submissions from 3 submitters: Uncertain significance (3). Last evaluated 2023-07-25.

Conditions:
Hereditary cancer-predisposing syndrome. Also called: Hereditary Cancer Syndrome; Neoplastic Syndromes, Hereditary; Tumor predisposition; Hereditary neoplastic syndrome. Identifiers: Orphanet 140162, MedGen C0027672, MeSH D009386, MONDO:0015356.
Microcephaly, normal intelligence and immunodeficiency (NBS). Also called: BERLIN BREAKAGE SYNDROME; Ataxia telangiectasia variant V1; IMMUNODEFICIENCY, MICROCEPHALY, AND CHROMOSOMAL INSTABILITY; SEEMANOVA SYNDROME II; Nijmegen breakage syndrome; Microcephaly with normal intelligence immunodeficiency and lymphoreticular malignancies. Identifiers: Orphanet 647, MedGen C0398791, MONDO:0009623, OMIM 251260.

Allele frequency attached by ClinVar (database versions not stated): gnomAD exomes below 0.00001; ExAC 0.00001.

Submissions (3):

Labcorp Genetics (formerly Invitae), Labcorp
Classification: Uncertain significance for Microcephaly, normal intelligence and immunodeficiency. Last evaluated: 2023-07-25. Review status: criteria provided, single submitter. Criteria: Invitae Variant Classification Sherloc (09022015). Collection method: clinical testing. Allele origin: germline.
Comment: This sequence change replaces serine, which is neutral and polar, with leucine, which is neutral and non-polar, at codon 499 of the NBN protein (p.Ser499Leu). This variant is present in population databases (rs772411713, gnomAD 0.0009%). This missense change has been observed in individual(s) with breast cancer (PMID: 30287823). ClinVar contains an entry for this variant (Variation ID: 232562). Algorithms developed to predict the effect of missense changes on protein structure and function output the following: SIFT: "Not Available"; PolyPhen-2: "Benign"; Align-GVGD: "Not Available". The leucine amino acid residue is found in multiple mammalian species, which suggests that this missense change does not adversely affect protein function. In summary, the available evidence is currently insufficient to determine the role of this variant in disease. Therefore, it has been classified as a Variant of Uncertain Significance.

Genome-Nilou Lab
Classification: Uncertain significance for Microcephaly, normal intelligence and immunodeficiency. Last evaluated: 2021-11-07. Review status: criteria provided, single submitter. Criteria: ACMG Guidelines, 2015. Collection method: clinical testing. Allele origin: germline. Affected: no.

Ambry Genetics
Classification: Uncertain significance for Hereditary cancer-predisposing syndrome. Last evaluated: 2020-04-09. Review status: criteria provided, single submitter. Criteria: Ambry Variant Classification Scheme 2023. Collection method: clinical testing. Allele origin: germline.
Comment: The p.S499L variant (also known as c.1496C>T), located in coding exon 11 of the NBN gene, results from a C to T substitution at nucleotide position 1496. The serine at codon 499 is replaced by leucine, an amino acid with dissimilar properties. This alteration has been reported with a carrier frequency of 0.0000 in 53 unselected male breast cancer patients and 0.0001 in 12490 male controls of Japanese ancestry (Momozawa Y et al. Nat Commun, 2018 10;9:4083). This amino acid position is not well conserved in available vertebrate species. In addition, this alteration is predicted to be tolerated by in silico analysis. Since supporting evidence is limited at this time, the clinical significance of this alteration remains unclear.

Literature cited by the submitters: PubMed 30287823 (cited by Labcorp Genetics (formerly Invitae), Labcorp and Ambry Genetics).